The following is an entry in ClinVar:

NM_198721.4(COL25A1):c.1845+2130_1845+2131insAAAAAAAAAAAAAAAAAA

Gene: COL25A1 (collagen type XXV alpha 1 chain; minus strand). Cytogenetic location: 4q25.
Variant type: Insertion.
Coding change: c.1845+2130_1845+2131insAAAAAAAAAAAAAAAAAA on transcript NM_198721.4 (MANE Select); bases 2130 to 2131 of the intron after coding-DNA position 1845, AAAAAAAAAAAAAAAAAA inserted.
Molecular consequence: intron variant.
Genome position: GRCh38 VCF-style: chr4-108822043-A-ATTTTTTTTTTTTTTTTTT. GRCh37 (hg19) VCF-style: chr4-109743199-A-ATTTTTTTTTTTTTTTTTT.
Identifiers: ClinVar variation 4822453 (VCV004822453.4).

ClinVar aggregate classification (germline): Likely benign (1 of 4 stars; one submission).

Submission:

CeGaT Center for Human Genetics Tuebingen
Classification: Likely benign. Last evaluated: 2026-03-01. Review status: criteria provided, single submitter. Criteria: CeGaT Center For Human Genetics Tuebingen Variant Classification Criteria Version 2. Collection method: clinical testing. Allele origin: germline. Affected: yes. Observed: 2 variant alleles.
Comment: COL25A1: BS2